The following is an entry in ClinVar:

ClinVar aggregate classification (germline): Uncertain significance (1 of 4 stars; one submission).

Conditions:
Idiopathic generalized epilepsy. Also called: Generalised epilepsy; EIG. Identifiers: MedGen C0270850, MONDO:0005579, OMIM 600669.
Hyperaldosteronism, familial, type IV (HALD4). Also called: FH IV; ALDOSTERONISM, PRIMARY, AND HYPERTENSION. Identifiers: Orphanet 642671, MedGen C4310756, MONDO:0014875, OMIM 617027.

Allele frequency attached by ClinVar (database versions not stated): gnomAD exomes below 0.00001; TOPMed below 0.00001; ExAC 0.00001.

Submission:

Labcorp Genetics (formerly Invitae), Labcorp
Classification: Uncertain significance for Idiopathic generalized epilepsy; Hyperaldosteronism, familial, type IV. Last evaluated: 2022-08-16. Review status: criteria provided, single submitter. Criteria: Invitae Variant Classification Sherloc (09022015). Collection method: clinical testing. Allele origin: germline.
Comment: This sequence change replaces glycine, which is neutral and non-polar, with aspartic acid, which is acidic and polar, at codon 1415 of the CACNA1H protein (p.Gly1415Asp). This variant is present in population databases (rs759233103, gnomAD 0.003%). This variant has not been reported in the literature in individuals affected with CACNA1H-related conditions. ClinVar contains an entry for this variant (Variation ID: 576471). Advanced modeling of protein sequence and biophysical properties (such as structural, functional, and spatial information, amino acid conservation, physicochemical variation, residue mobility, and thermodynamic stability) performed at Invitae indicates that this missense variant is expected to disrupt CACNA1H protein function. In summary, the available evidence is currently insufficient to determine the role of this variant in disease. Therefore, it has been classified as a Variant of Uncertain Significance.

NM_021098.3(CACNA1H):c.4244G>A (p.Gly1415Asp)

Gene: CACNA1H (calcium voltage-gated channel subunit alpha1 H; plus strand). Cytogenetic location: 16p13.3.
Variant type: single nucleotide variant.
Coding change: c.4244G>A on transcript NM_021098.3 (MANE Select); coding-DNA position 4244, G replaced by A.
Protein change: p.Gly1415Asp; replaces glycine 1415 with aspartic acid.
Molecular consequence: missense variant.
Genome position (GRCh38, 1-based): chr16:1,211,188, G>A. VCF-style: chr16-1211188-G-A. GRCh37 (hg19) VCF-style: chr16-1261188-G-A.
Other names: c.4244G>A, p.Gly1415Asp (NM_001005407.2); short protein forms G1415D.
Identifiers: ClinVar variation 576471 (VCV000576471.8), dbSNP rs759233103, ClinGen allele CA7801234.
Genomic context (GRCh38, chr16:1,211,188, plus strand): 5'-TGCCATAGATGACTGCAGTGTATCCTTCACTCCCCTCCAGGGTCATCAGCCGGGCCCCGG[G>A]CCTCAAGCTGGTGGTGGAGACGCTGATATCATCACTCAGGCCCATTGGGAACATCGTCCT-3'
Protein context (NP_066921.2, residues 1405-1425): RPLRVISRAP[Gly1415Asp]LKLVVETLIS